The following is an entry in ClinVar:

ClinVar aggregate classification (germline): Uncertain significance. Review status: criteria provided, single submitter (1 of 4 stars). 2 submissions from 2 submitters: Uncertain significance (1). 1 of the submissions does not count toward it. Last evaluated 2021-08-26.

Conditions:
Citrullinemia type I (CTNL1). Also called: argininosuccinate synthetase deficiency; ASS DEFICIENCY. Identifiers: Orphanet 247525, MedGen C4721769, MONDO:0008988, OMIM 215700.
Citrullinemia. Identifiers: Orphanet 187, MedGen C0175683, MONDO:0015991.

Allele frequency attached by ClinVar (database versions not stated): ExAC 0.00001; gnomAD 0.00001; gnomAD exomes 0.00001 and 0.00002; TOPMed 0.00001.
gnomAD v4.1: 26 of 1,612,244 alleles (0.0016%); highest among the groups gnomAD compares: Non-Finnish European, 0.0021%; no homozygotes.

Submissions (2):

Labcorp Genetics (formerly Invitae), Labcorp
Classification: Uncertain significance for Citrullinemia. Last evaluated: 2021-08-26. Review status: criteria provided, single submitter. Criteria: Invitae Variant Classification Sherloc (09022015). Collection method: clinical testing. Allele origin: germline.
Comment: This sequence change replaces tyrosine with histidine at codon 83 of the ASS1 protein (p.Tyr83His). The tyrosine residue is highly conserved and there is a moderate physicochemical difference between tyrosine and histidine. This variant is present in population databases (rs753659761, ExAC 0.002%). This missense change has been observed in individual(s) with citrullinemia (Invitae). In at least one individual the data is consistent with the variant being in trans (on the opposite chromosome) from a pathogenic variant. Algorithms developed to predict the effect of missense changes on protein structure and function (SIFT, PolyPhen-2, Align-GVGD) all suggest that this variant is likely to be disruptive. In summary, the available evidence is currently insufficient to determine the role of this variant in disease. Therefore, it has been classified as a Variant of Uncertain Significance.

Natera, Inc.
Classification: Uncertain significance for Citrullinemia type I. Last evaluated: 2020-06-29. Review status: no assertion criteria provided. Collection method: clinical testing. Allele origin: germline. Not counted in ClinVar's aggregate classification.

NM_054012.4(ASS1):c.247T>C (p.Tyr83His)

Gene: ASS1 (argininosuccinate synthase 1; plus strand). Cytogenetic location: 9q34.11.
Variant type: single nucleotide variant.
Coding change: c.247T>C on transcript NM_054012.4 (MANE Select); coding-DNA position 247, T replaced by C.
Protein change: p.Tyr83His; replaces tyrosine 83 with histidine.
Molecular consequence: missense variant.
Genome position (GRCh38, 1-based): chr9:130,458,473, T>C. VCF-style: chr9-130458473-T-C. GRCh37 (hg19) VCF-style: chr9-133333860-T-C.
Other names: c.247T>C, p.Tyr83His (NM_000050.4); short protein forms Y83H.
Identifiers: ClinVar variation 999061 (VCV000999061.7), dbSNP rs753659761, ClinGen allele CA5283209.